The following is an entry in ClinVar:

NC_000012.12:g.40485490A>G

Gene: MUC19 (mucin 19, oligomeric (gene/pseudogene); plus strand). Cytogenetic location: 12q12.
Variant type: single nucleotide variant.
Genome position: GRCh38 VCF-style: chr12-40485490-A-G. GRCh37 (hg19) VCF-style: chr12-40879292-A-G.
Identifiers: ClinVar variation 3771034 (VCV003771034.13).

ClinVar aggregate classification (germline): Likely benign (1 of 4 stars; one submission).

Submission:

CeGaT Center for Human Genetics Tuebingen
Classification: Likely benign. Last evaluated: 2025-02-01. Review status: criteria provided, single submitter. Criteria: CeGaT Center For Human Genetics Tuebingen Variant Classification Criteria Version 2. Collection method: clinical testing. Allele origin: germline. Affected: yes. Observed: 1 variant allele.
Comment: MUC19: BP4, BP7